The following is an entry in ClinVar:

NM_000346.4(SOX9):c.32C>T (p.Thr11Ile)

Genes: SOX9 (SRY-box transcription factor 9; plus strand), LOC108021846 (SOX9 promoter region; plus strand). Cytogenetic location: 17q24.3.
Variant type: single nucleotide variant.
Coding change: c.32C>T on transcript NM_000346.4 (MANE Select); coding-DNA position 32, C replaced by T.
Protein change: p.Thr11Ile; replaces threonine 11 with isoleucine.
Molecular consequence: missense variant.
Genome position (GRCh38, 1-based): chr17:72,121,423, C>T. VCF-style: chr17-72121423-C-T. GRCh37 (hg19) VCF-style: chr17-70117564-C-T.
Other names: short protein forms T11I.
Identifiers: ClinVar variation 3902700 (VCV003902700.1).

ClinVar aggregate classification (germline): Uncertain significance (1 of 4 stars; one submission).

Submission:

Women's Health and Genetics/Laboratory Corporation of America, LabCorp
Classification: Uncertain significance. Last evaluated: 2025-05-27. Review status: criteria provided, single submitter. Criteria: LabCorp Variant Classification Summary - May 2015. Collection method: clinical testing. Allele origin: germline.
Comment: Variant summary: SOX9 c.32C>T (p.Thr11Ile) results in a non-conservative amino acid change in the encoded protein sequence. Algorithms developed to predict the effect of missense changes on protein structure and function all suggest that this variant is likely to be disruptive. The variant was absent in 246136 control chromosomes. The available data on variant occurrences in the general population are insufficient to allow any conclusion about variant significance. To our knowledge, no occurrence of c.32C>T in individuals affected with Camptomelic Dysplasia and no experimental evidence demonstrating its impact on protein function have been reported. No submitters have cited clinical-significance assessments for this variant to ClinVar. Based on the evidence outlined above, the variant was classified as uncertain significance.